The following is an entry in ClinVar:

ClinVar aggregate classification (germline): Conflicting classifications of pathogenicity. Review status: criteria provided, conflicting classifications (1 of 4 stars). 19 submissions from 15 submitters: Uncertain significance (5); Benign (4); Likely benign (3). 7 of the submissions do not count toward it. Last evaluated 2026-02-01.

Conditions:
TTN-related disorder. Also called: TTN-related disorders; TTN-related condition; TTN-related disease.
Cardiovascular phenotype. Identifiers: MedGen CN230736.
Autosomal recessive limb-girdle muscular dystrophy type 2J (LGMDR10). Also called: MUSCULAR DYSTROPHY, LIMB-GIRDLE, AUTOSOMAL RECESSIVE 10; Limb-girdle muscular dystrophy, type 2J. Identifiers: Orphanet 140922, MedGen C1837342, MONDO:0012127, OMIM 608807.
Dilated cardiomyopathy 1G (CMD1G). Identifiers: Orphanet 154, MedGen C1858763, MONDO:0011400, OMIM 604145.
Early-onset myopathy with fatal cardiomyopathy (CMYO5). Also called: CONGENITAL MYOPATHY 5 WITH CARDIOMYOPATHY; Salih Myopathy. Identifiers: Orphanet 289377, MedGen C2673677, MONDO:0012714, OMIM 611705. Disease mechanism: loss of function.
Myopathy, myofibrillar, 9, with early respiratory failure (MFM9). Also called: Hereditary myopathy with early respiratory failure; EDSTROM MYOPATHY; MYOPATHY, PROXIMAL, WITH EARLY RESPIRATORY MUSCLE INVOLVEMENT; Myopathy, distal, with early respiratory failure, autosomal dominant. Identifiers: Orphanet 178464, Orphanet 34521, MedGen C1863599, MONDO:0011362, OMIM 603689.
Tibial muscular dystrophy (TMD). Also called: UDD MYOPATHY; Udd Distal Myopathy – Tibial Muscular Dystrophy; Tibial muscular dystrophy, tardive. Identifiers: Orphanet 609, MedGen C1838244, MONDO:0010870, OMIM 600334.

Allele frequency attached by ClinVar (database versions not stated): 1000 Genomes Project 0.00040; 1000 Genomes Project 30x 0.00047; gnomAD exomes 0.00052 and 0.00074; TOPMed 0.00053; gnomAD 0.00056; ExAC 0.00060; ESP Exome Variant Server 0.00092.
gnomAD v4.1: 1,155 of 1,601,676 alleles (0.072%); highest among the groups gnomAD compares: Middle Eastern, 0.12%; 1 homozygote.

Submissions (19):

Labcorp Genetics (formerly Invitae), Labcorp
Classification: Likely benign for Dilated cardiomyopathy 1G; Autosomal recessive limb-girdle muscular dystrophy type 2J. Last evaluated: 2026-02-01. Review status: criteria provided, single submitter. Criteria: Invitae Variant Classification Sherloc (09022015). Collection method: clinical testing. Allele origin: germline.

ARUP Laboratories, Molecular Genetics and Genomics, ARUP Laboratories
Classification: Likely benign. Last evaluated: 2024-11-21. Review status: criteria provided, single submitter. Criteria: ARUP Molecular Germline Variant Investigation Process 2024. Collection method: clinical testing. Allele origin: germline.

Blueprint Genetics
Classification: Likely benign. Last evaluated: 2024-10-14. Review status: criteria provided, single submitter. Criteria: ACMG Guidelines, 2015. Collection method: clinical testing. Allele origin: germline.

Women's Health and Genetics/Laboratory Corporation of America, LabCorp
Classification: Benign. Last evaluated: 2019-08-19. Review status: criteria provided, single submitter. Criteria: LabCorp Variant Classification Summary - May 2015. Collection method: clinical testing. Allele origin: germline.
Comment: Variant summary: TTN c.296-14T>C alters a non-conserved nucleotide located close to a canonical splice site and therefore could affect mRNA splicing, leading to a significantly altered protein sequence. 4/4 computational tools predict no significant impact on normal splicing. However, these predictions have yet to be confirmed by functional studies. The variant allele was found at a frequency of 0.00052 in 239192 control chromosomes, predominantly at a frequency of 0.00098 within the Non-Finnish European subpopulation in the gnomAD database. The observed variant frequency within Non-Finnish European control individuals in the gnomAD database is approximately 1.6 fold of the estimated maximal expected allele frequency for a pathogenic variant in TTN causing Cardiomyopathy phenotype (0.00063), strongly suggesting that the variant is a benign polymorphism found primarily in populations of Non-Finnish European origin. To our knowledge, no occurrence of c.296-14T>C in individuals affected with Cardiomyopathy and no experimental evidence demonstrating its impact on protein function have been reported. One clinical diagnostic laboratory has submitted clinical-significance assessments for this variant to ClinVar after 2014 without evidence for independent evaluation and classified the variant as uncertain significance. Two laboratories have submitted clinical-significance assessments for this variant to ClinVar before 2014 without evidence for independent evaluation (benign =1, VUS =1). Based on the evidence outlined above, the variant was classified as benign.

Illumina Laboratory Services, Illumina
Classification: Benign for Tibial muscular dystrophy. Last evaluated: 2018-01-13. Review status: criteria provided, single submitter. Criteria: ICSL Variant Classification Criteria 13 December 2019. Collection method: clinical testing. Allele origin: germline.
Comment: This variant was observed in the ICSL laboratory as part of a predisposition screen in an ostensibly healthy population. It had not been previously curated by ICSL or reported in the Human Gene Mutation Database (HGMD: prior to June 1st, 2018), and was therefore a candidate for classification through an automated scoring system. Utilizing variant allele frequency, disease prevalence and penetrance estimates, and inheritance mode, an automated score was calculated to assess if this variant is too frequent to cause the disease. Based on the score and internal cut-off values, a variant classified as benign is not then subjected to further curation. The score for this variant resulted in a classification of benign for this disease.

Illumina Laboratory Services, Illumina
Classification: Benign for Myopathy, myofibrillar, 9, with early respiratory failure. Last evaluated: 2018-01-13. Review status: criteria provided, single submitter. Criteria: ICSL Variant Classification Criteria 13 December 2019. Collection method: clinical testing. Allele origin: germline.
Comment: the same text as in the submission from Illumina Laboratory Services, Illumina above.

Illumina Laboratory Services, Illumina
Classification: Uncertain significance for Autosomal recessive limb-girdle muscular dystrophy type 2J. Last evaluated: 2018-01-13. Review status: criteria provided, single submitter. Criteria: ICSL Variant Classification Criteria 13 December 2019. Collection method: clinical testing. Allele origin: germline.

Illumina Laboratory Services, Illumina
Classification: Uncertain significance for Dilated cardiomyopathy 1G. Last evaluated: 2018-01-13. Review status: criteria provided, single submitter. Criteria: ICSL Variant Classification Criteria 13 December 2019. Collection method: clinical testing. Allele origin: germline.

Illumina Laboratory Services, Illumina
Classification: Uncertain significance for Early-onset myopathy with fatal cardiomyopathy. Last evaluated: 2018-01-13. Review status: criteria provided, single submitter. Criteria: ICSL Variant Classification Criteria 13 December 2019. Collection method: clinical testing. Allele origin: germline.

Ambry Genetics
Classification: Uncertain significance for Cardiovascular phenotype. Last evaluated: 2015-09-06. Review status: criteria provided, single submitter. Criteria: Ambry Variant Classification Scheme 2023. Collection method: clinical testing. Allele origin: germline.
Comment: The c.296-14T>C intronic alteration consists of a T to C substitution 14 nucleotides before coding exon 3 in the TTN gene. Based on insufficient or conflicting evidence, the clinical significance of this alteration remains unclear.

GeneDx
Classification: Benign. Last evaluated: 2013-08-19. Review status: criteria provided, single submitter. Criteria: GeneDx Variant Classification (06012015). Collection method: clinical testing. Allele origin: germline. Affected: yes.
Comment: This variant is considered likely benign or benign based on one or more of the following criteria: it is a conservative change, it occurs at a poorly conserved position in the protein, it is predicted to be benign by multiple in silico algorithms, and/or has population frequency not consistent with disease.

Laboratory for Molecular Medicine, Mass General Brigham Personalized Medicine
Classification: Uncertain significance. Last evaluated: 2013-08-02. Review status: criteria provided, single submitter. Criteria: LMM Criteria. Collection method: clinical testing. Allele origin: germline. Observed: 2 variant alleles.
Comment: Variant classified as Uncertain Significance - Favor Benign. The 296-14T>C varia nt in TTN has not been reported in individuals with cardiomyopathy, but has been identified in 0.1% (12/8600) of European American chromosomes by the NHLBI Exom e Sequencing Project (dbSNP rs199951296). Thi s variant is located in the 3' splice region. Computational tools do not suggest a strong impact on splicing, though this information is not predictive enough t o rule out pathogenicity. While the frequency of this variant suggests that it i s more likely to be benign, it is too low to confidently rule out a disease caus ing role. At this time, additional information is needed to fully assess its cli nical significance.

PreventionGenetics, part of Exact Sciences
Classification: Likely benign for TTN-related condition. Last evaluated: 2022-04-11. Review status: no assertion criteria provided. Collection method: clinical testing. Allele origin: germline. Not counted in ClinVar's aggregate classification.
Comment: This variant is classified as likely benign based on ACMG/AMP sequence variant interpretation guidelines (Richards et al. 2015 PMID: 25741868, with internal and published modifications).

Clinical Genetics DNA and cytogenetics Diagnostics Lab, Erasmus MC, Erasmus Medical Center
Classification: Benign. Review status: no assertion criteria provided. Collection method: clinical testing. Allele origin: germline. Affected: yes. Study: VKGL Data-share Consensus. Not counted in ClinVar's aggregate classification.

Clinical Genetics, Academic Medical Center
Classification: Benign. Review status: no assertion criteria provided. Collection method: clinical testing. Allele origin: germline. Affected: yes. Study: VKGL Data-share Consensus. Not counted in ClinVar's aggregate classification.

Diagnostic Laboratory, Department of Genetics, University Medical Center Groningen
Classification: Likely benign. Review status: no assertion criteria provided. Collection method: clinical testing. Allele origin: germline. Affected: yes. Study: VKGL Data-share Consensus. Not counted in ClinVar's aggregate classification.

Genome Diagnostics Laboratory, University Medical Center Utrecht
Classification: Benign. Review status: no assertion criteria provided. Collection method: clinical testing. Allele origin: germline. Affected: yes. Study: VKGL Data-share Consensus. Not counted in ClinVar's aggregate classification.

Joint Genome Diagnostic Labs from Nijmegen and Maastricht, Radboudumc and MUMC+
Classification: Benign. Review status: no assertion criteria provided. Collection method: clinical testing. Allele origin: germline. Affected: yes. Study: VKGL Data-share Consensus. Not counted in ClinVar's aggregate classification.

Laboratory of Diagnostic Genome Analysis, Leiden University Medical Center (LUMC)
Classification: Likely benign. Review status: no assertion criteria provided. Collection method: clinical testing. Allele origin: germline. Affected: yes. Study: VKGL Data-share Consensus. Not counted in ClinVar's aggregate classification.

NM_001267550.2(TTN):c.296-14T>C

Gene: TTN (titin; minus strand). Cytogenetic location: 2q31.2.
Variant type: single nucleotide variant.
Coding change: c.296-14T>C on transcript NM_001267550.2 (MANE Select); 14 bases into the intron before coding-DNA position 296, T replaced by C.
Molecular consequence: intron variant.
Genome position (GRCh38, 1-based): chr2:178,800,696, A>G on the plus strand (T>C on the coding strand, the complement: TTN is on the minus strand). VCF-style: chr2-178800696-A-G. GRCh37 (hg19) VCF-style: chr2-179665423-A-G.
Other names: c.296-14T>C (NM_133378.4, NM_001256850.1, NM_003319.4 and 3 more transcripts).
Identifiers: ClinVar variation 137836 (VCV000137836.74), dbSNP rs199951296, ClinGen allele CA211121.